The following is an entry in ClinVar:

NM_004385.5(VCAN):c.362T>C (p.Leu121Pro)

Gene: VCAN (versican; plus strand). Cytogenetic location: 5q14.2.
Variant type: single nucleotide variant.
Coding change: c.362T>C on transcript NM_004385.5 (MANE Select); coding-DNA position 362, T replaced by C.
Protein change: p.Leu121Pro; replaces leucine 121 with proline.
Molecular consequence: missense variant.
Genome position (GRCh38, 1-based): chr5:83,490,389, T>C. VCF-style: chr5-83490389-T-C. GRCh37 (hg19) VCF-style: chr5-82786208-T-C.
Other names: c.362T>C, p.Leu121Pro (NM_001126336.3, NM_001164097.2, NM_001164098.2); short protein forms L121P.
Identifiers: ClinVar variation 3003931 (VCV003003931.4), dbSNP rs759355257, ClinGen allele CA3332433.

ClinVar aggregate classification (germline): Uncertain significance. Review status: criteria provided, multiple submitters, no conflicts (2 of 4 stars). 2 submissions from 2 submitters: Uncertain significance (2). Last evaluated 2023-11-06.

Allele frequency attached by ClinVar (database versions not stated): TOPMed below 0.00001; ExAC 0.00002.
gnomAD v4.1: 3 of 1,614,212 alleles (0.00019%); highest among the groups gnomAD compares: Admixed American, 0.0017%; no homozygotes.

Submissions (2):

Labcorp Genetics (formerly Invitae), Labcorp
Classification: Uncertain significance. Last evaluated: 2023-11-06. Review status: criteria provided, single submitter. Criteria: Invitae Variant Classification Sherloc (09022015). Collection method: clinical testing. Allele origin: germline.
Comment: This sequence change replaces leucine, which is neutral and non-polar, with proline, which is neutral and non-polar, at codon 121 of the VCAN protein (p.Leu121Pro). This variant is present in population databases (rs759355257, gnomAD 0.003%). This variant has not been reported in the literature in individuals affected with VCAN-related conditions. An algorithm developed to predict the effect of missense changes on protein structure and function (PolyPhen-2) suggests that this variant is likely to be disruptive. In summary, the available evidence is currently insufficient to determine the role of this variant in disease. Therefore, it has been classified as a Variant of Uncertain Significance.

Blueprint Genetics
Classification: Uncertain significance. Last evaluated: 2022-03-11. Review status: criteria provided, single submitter. Criteria: ACMG Guidelines, 2015. Collection method: clinical testing. Allele origin: germline.